The following is an entry in ClinVar:

ClinVar aggregate classification (germline): Conflicting classifications of pathogenicity. Review status: criteria provided, conflicting classifications (1 of 4 stars). 3 submissions from 3 submitters: Uncertain significance (2); Likely benign (1). Last evaluated 2025-05-04.

Conditions:
Inborn genetic diseases. Identifiers: MedGen C0950123, MeSH D030342.
LAMA2-related muscular dystrophy (LAMA2-RD). Also called: Laminin alpha 2-related dystrophy. Identifiers: MedGen C5679788, MONDO:0100228.

Allele frequency attached by ClinVar (database versions not stated): ExAC 0.00001; gnomAD 0.00003; gnomAD exomes 0.00003.
gnomAD v4.1: 17 of 1,613,954 alleles (0.0011%); highest among the groups gnomAD compares: Middle Eastern, 0.016%; no homozygotes.

Submissions (3):

Ambry Genetics
Classification: Likely benign for Inborn genetic diseases. Last evaluated: 2025-05-04. Review status: criteria provided, single submitter. Criteria: Ambry Variant Classification Scheme 2023. Collection method: clinical testing. Allele origin: germline.

Labcorp Genetics (formerly Invitae), Labcorp
Classification: Uncertain significance for LAMA2-related muscular dystrophy. Last evaluated: 2022-08-09. Review status: criteria provided, single submitter. Criteria: Invitae Variant Classification Sherloc (09022015). Collection method: clinical testing. Allele origin: germline.
Comment: This sequence change replaces arginine, which is basic and polar, with histidine, which is basic and polar, at codon 1102 of the LAMA2 protein (p.Arg1102His). The frequency data for this variant in the population databases is considered unreliable, as metrics indicate poor data quality at this position in the gnomAD database. This variant has not been reported in the literature in individuals affected with LAMA2-related conditions. ClinVar contains an entry for this variant (Variation ID: 1447862). Advanced modeling of protein sequence and biophysical properties (such as structural, functional, and spatial information, amino acid conservation, physicochemical variation, residue mobility, and thermodynamic stability) performed at Invitae indicates that this missense variant is not expected to disrupt LAMA2 protein function. In summary, the available evidence is currently insufficient to determine the role of this variant in disease. Therefore, it has been classified as a Variant of Uncertain Significance.

Revvity Omics, Revvity
Classification: Uncertain significance. Last evaluated: 2021-06-17. Review status: criteria provided, single submitter. Criteria: ACMG Guidelines, 2015. Collection method: clinical testing. Allele origin: germline.

NM_000426.4(LAMA2):c.3305G>A (p.Arg1102His)

Gene: LAMA2 (laminin subunit alpha 2; plus strand). Cytogenetic location: 6q22.33.
Variant type: single nucleotide variant.
Coding change: c.3305G>A on transcript NM_000426.4 (MANE Select); coding-DNA position 3305, G replaced by A.
Protein change: p.Arg1102His; replaces arginine 1102 with histidine.
Molecular consequence: missense variant.
Genome position (GRCh38, 1-based): chr6:129,312,991, G>A. VCF-style: chr6-129312991-G-A. GRCh37 (hg19) VCF-style: chr6-129634136-G-A.
Other names: c.3305G>A (NM_000426.3); c.3305G>A, p.Arg1102His (NM_001079823.2); short protein forms R1102H.
Identifiers: ClinVar variation 1447862 (VCV001447862.6), dbSNP rs781580213, ClinGen allele CA3993232.
Genomic context (GRCh38, chr6:129,312,991, plus strand): 5'-ATCCAAAATTCTCTGGTGCAAAATGTACAGAGTGCAGTCGAGGTCACTGGAACTACCCTC[G>A]CTGCAATCTCTGTGACTGCTTCCTCCCTGGGACAGATGCCACAACCTGTGATTCAGAGAC-3'
Protein context (NP_000417.3, residues 1092-1112): ECSRGHWNYP[Arg1102His]CNLCDCFLPG